The following is an entry in ClinVar:

NM_033453.4(ITPA):c.411G>A (p.Ser137=)

Genes: ITPA (inosine triphosphatase; plus strand), LOC130065322 (ATAC-STARR-seq lymphoblastoid silent region 12615; plus strand). Cytogenetic location: 20p13.
Variant type: single nucleotide variant.
Coding change: c.411G>A on transcript NM_033453.4 (MANE Select); coding-DNA position 411, G replaced by A.
Protein change: p.Ser137=; no amino-acid change (serine 137 retained).
Molecular consequence: synonymous variant. On other transcripts: missense variant (4), non-coding transcript variant (2).
Genome position (GRCh38, 1-based): chr20:3,218,632, G>A. VCF-style: chr20-3218632-G-A. GRCh37 (hg19) VCF-style: chr20-3199278-G-A.
Other names: c.288G>A, p.Ser96= (NM_001267623.2); c.74G>A, p.Arg25Gln (NM_001324236.2, NM_001324237.2, NM_001324238.2 and 1 more transcripts); c.411G>A, p.Ser137= (NM_001324240.2, NM_001424408.1); c.537G>A, p.Ser179= (NM_001424409.1); c.360G>A, p.Ser120= (NM_181493.4); short protein forms R25Q.
Identifiers: ClinVar variation 4847094 (VCV004847094.1).

ClinVar aggregate classification (germline): Uncertain significance (1 of 4 stars; one submission).

gnomAD v4.1: 3 of 1,608,604 alleles (0.00019%); highest among the groups gnomAD compares: Non-Finnish European, 0.00026%; no homozygotes.

Submission:

Women's Health and Genetics/Laboratory Corporation of America, LabCorp
Classification: Uncertain significance. Last evaluated: 2026-03-18. Review status: criteria provided, single submitter. Criteria: LabCorp Variant Classification Summary - May 2015. Collection method: clinical testing. Allele origin: germline.
Comment: Variant summary: ITPA c.411G>A (p.Ser137Ser) alters a conserved nucleotide located close to a canonical splice site and therefore could affect mRNA splicing, leading to a significantly altered protein sequence. Several computational tools predict a significant impact on normal splicing: Two predict the variant abolishes a canonical 5' splicing donor site and two predict the variant weakens a canonical 5' donor site. However, these predictions have yet to be confirmed by functional studies. The variant was absent in 247144 control chromosomes. The available data on variant occurrences in the general population are insufficient to allow any conclusion about variant significance. To our knowledge, no occurrence of c.411G>A in individuals affected with ITPA-related conditions and no experimental evidence demonstrating its impact on protein function have been reported. No submitters have cited clinical-significance assessments for this variant to ClinVar. Based on the evidence outlined above, the variant was classified as uncertain significance.